The following is an entry in ClinVar:

ClinVar aggregate classification (germline): Uncertain significance (1 of 4 stars; one submission).

Conditions:
Retinoblastoma (RB1). Also called: RETINOBLASTOMA, SOMATIC. Identifiers: Orphanet 790, MedGen C0035335, MeSH D012175, MONDO:0008380, OMIM 180200, HP:0009919. Disease mechanism: loss of function. Inheritance: Both sporadic and heritable forms are tested..

Submission:

Labcorp Genetics (formerly Invitae), Labcorp
Classification: Uncertain significance for Retinoblastoma. Last evaluated: 2025-11-03. Review status: criteria provided, single submitter. Criteria: Invitae Variant Classification Sherloc (09022015). Collection method: clinical testing. Allele origin: germline.
Comment: This sequence change replaces leucine, which is neutral and non-polar, with valine, which is neutral and non-polar, at codon 135 of the RB1 protein (p.Leu135Val). This variant is not present in population databases (gnomAD no frequency). This variant has not been reported in the literature in individuals affected with RB1-related conditions. Invitae Evidence Modeling of protein sequence and biophysical properties (such as structural, functional, and spatial information, amino acid conservation, physicochemical variation, residue mobility, and thermodynamic stability) indicates that this missense variant is not expected to disrupt RB1 protein function with a negative predictive value of 80%. In summary, the available evidence is currently insufficient to determine the role of this variant in disease. Therefore, it has been classified as a Variant of Uncertain Significance.

NM_000321.3(RB1):c.403C>G (p.Leu135Val)

Gene: RB1 (RB transcriptional corepressor 1; plus strand). Cytogenetic location: 13q14.2.
Variant type: single nucleotide variant.
Coding change: c.403C>G on transcript NM_000321.3 (MANE Select); coding-DNA position 403, C replaced by G.
Protein change: p.Leu135Val; replaces leucine 135 with valine.
Molecular consequence: missense variant.
Genome position (GRCh38, 1-based): chr13:48,345,102, C>G. VCF-style: chr13-48345102-C-G. GRCh37 (hg19) VCF-style: chr13-48919238-C-G.
Other names: c.403C>G, p.Leu135Val (NM_001407165.1, NM_001407166.1); short protein forms L135V.
Identifiers: ClinVar variation 4807608 (VCV004807608.1).
Genomic context (GRCh38, chr13:48,345,102, plus strand): 5'-GGTTACTGATTTACTTTTTTCTATTCTTTCCTTTGTAGTGTCCATAAATTCTTTAACTTA[C>G]TAAAAGAAATTGATACCAGTACCAAAGTTGATAATGCTATGTCAAGACTGTTGAAGAAGT-3'
Protein context (NP_000312.2, residues 125-145): EISVHKFFNL[Leu135Val]KEIDTSTKVD